The following is an entry in ClinVar:

ClinVar aggregate classification (germline): Uncertain significance (1 of 4 stars; one submission).

Allele frequency attached by ClinVar (database versions not stated): gnomAD exomes below 0.00001; gnomAD 0.00001.
gnomAD v4.1: 2 of 1,521,342 alleles (0.00013%); no homozygotes.

Submission:

Labcorp Genetics (formerly Invitae), Labcorp
Classification: Uncertain significance. Last evaluated: 2022-08-16. Review status: criteria provided, single submitter. Criteria: Invitae Variant Classification Sherloc (09022015). Collection method: clinical testing. Allele origin: germline.
Comment: This variant has not been reported in the literature in individuals affected with GFM2-related conditions. This variant is present in population databases (no rsID available, gnomAD 0.008%). This sequence change replaces isoleucine, which is neutral and non-polar, with methionine, which is neutral and non-polar, at codon 67 of the GFM2 protein (p.Ile67Met). Algorithms developed to predict the effect of missense changes on protein structure and function output the following: SIFT: "Tolerated"; PolyPhen-2: "Benign"; Align-GVGD: "Class C0". The methionine amino acid residue is found in multiple mammalian species, which suggests that this missense change does not adversely affect protein function. In summary, the available evidence is currently insufficient to determine the role of this variant in disease. Therefore, it has been classified as a Variant of Uncertain Significance.

NM_032380.5(GFM2):c.201A>G (p.Ile67Met)

Gene: GFM2 (GTP dependent ribosome recycling factor mitochondrial 2; minus strand). Cytogenetic location: 5q13.3.
Variant type: single nucleotide variant.
Coding change: c.201A>G on transcript NM_032380.5 (MANE Select); coding-DNA position 201, A replaced by G.
Protein change: p.Ile67Met; replaces isoleucine 67 with methionine.
Molecular consequence: missense variant. On other transcripts: non-coding transcript variant (1).
Genome position (GRCh38, 1-based): chr5:74,759,374, T>C on the plus strand (A>G on the coding strand, the complement: GFM2 is on the minus strand). VCF-style: chr5-74759374-T-C. GRCh37 (hg19) VCF-style: chr5-74055199-T-C.
Other names: c.297A>G, p.Ile99Met (NM_001281302.2); c.201A>G, p.Ile67Met (NM_170681.3, NM_170691.3); short protein forms I67M, I99M.
Identifiers: ClinVar variation 2073787 (VCV002073787.4), dbSNP rs1273943303, ClinGen allele CA360087023.
Genomic context (GRCh38, chr5:74,759,374, plus strand): 5'-CCTGTAAATTTTCGTGACAGTCTATGGAAAAGCATGATATAATGATAGTACTTACTTAGC[T>C]ATGGGAGGATTGATGATGGAATGAAGGGATTTGATATCATTTCCTATTAAGCCTAATGAA-3'
Protein context (NP_115756.2, residues 57-77): KSLHSIINPP[Ile67Met]AKIRNIGIMA